The following is an entry in ClinVar:

NM_018192.4(P3H2):c.1893+1G>A

Gene: P3H2 (prolyl 3-hydroxylase 2; minus strand). Cytogenetic location: 3q28.
Variant type: single nucleotide variant.
Coding change: c.1893+1G>A on transcript NM_018192.4 (MANE Select); the canonical splice donor site of the intron after coding-DNA position 1893, G replaced by A.
Molecular consequence: splice donor variant.
Genome position (GRCh38, 1-based): chr3:189,970,815, C>T on the plus strand (G>A on the coding strand, the complement: P3H2 is on the minus strand). VCF-style: chr3-189970815-C-T. GRCh37 (hg19) VCF-style: chr3-189688604-C-T.
Other names: c.1350+1G>A (NM_001134418.2).
Identifiers: ClinVar variation 1067450 (VCV001067450.5), dbSNP rs1295191218, ClinGen allele CA355752535.

ClinVar aggregate classification (germline): Likely pathogenic (1 of 4 stars; one submission).

Allele frequency attached by ClinVar (database versions not stated): gnomAD exomes below 0.00001.

Submission:

Labcorp Genetics (formerly Invitae), Labcorp
Classification: Likely pathogenic. Last evaluated: 2020-09-09. Review status: criteria provided, single submitter. Criteria: Invitae Variant Classification Sherloc (09022015). Collection method: clinical testing. Allele origin: germline.
Comment: In summary, the currently available evidence indicates that the variant is pathogenic, but additional data are needed to prove that conclusively. Therefore, this variant has been classified as Likely Pathogenic. Donor and acceptor splice site variants typically lead to a loss of protein function (PMID: 16199547), and loss-of-function variants in P3H2 are known to be pathogenic (PMID: 24172257, 25469533). Algorithms developed to predict the effect of sequence changes on RNA splicing suggest that this variant may disrupt the consensus splice site, but this prediction has not been confirmed by published transcriptional studies. This variant has not been reported in the literature in individuals with P3H2-related conditions. This variant is not present in population databases (ExAC no frequency). This sequence change affects a donor splice site in intron 13 of the P3H2 gene. It is expected to disrupt RNA splicing and likely results in an absent or disrupted protein product.

Literature cited by the submitters: PubMed 16199547; PubMed 24172257; PubMed 25469533.